The following is an entry in ClinVar:

ClinVar aggregate classification (germline): Uncertain significance. Review status: criteria provided, multiple submitters, no conflicts (2 of 4 stars). 3 submissions from 3 submitters: Uncertain significance (3). Last evaluated 2025-05-16.

Conditions:
Hereditary cancer-predisposing syndrome. Also called: Neoplastic Syndromes, Hereditary; Tumor predisposition; Hereditary neoplastic syndrome; Hereditary Cancer Syndrome. Identifiers: Orphanet 140162, MedGen C0027672, MeSH D009386, MONDO:0015356.
Endometrial carcinoma. Also called: Endometrial carcinoma, somatic. Identifiers: MedGen C0476089, MONDO:0002447, OMIM 608089, HP:0012114.

Allele frequency attached by ClinVar (database versions not stated): gnomAD exomes below 0.00001.
gnomAD v4.1: 6 of 1,609,454 alleles (0.00037%); highest among the groups gnomAD compares: Non-Finnish European, 0.00051%; no homozygotes.

Submissions (3):

Ambry Genetics
Classification: Uncertain significance for Hereditary cancer-predisposing syndrome. Last evaluated: 2025-05-16. Review status: criteria provided, single submitter. Criteria: Ambry Variant Classification Scheme 2023. Collection method: clinical testing. Allele origin: germline.
Comment: The p.I547T variant (also known as c.1640T>C), located in coding exon 11 of the MSH3 gene, results from a T to C substitution at nucleotide position 1640. The isoleucine at codon 547 is replaced by threonine, an amino acid with similar properties. This amino acid position is highly conserved in available vertebrate species. In addition, this alteration is predicted to be deleterious by in silico analysis. Based on the available evidence, the clinical significance of this variant remains unclear.

Labcorp Genetics (formerly Invitae), Labcorp
Classification: Uncertain significance. Last evaluated: 2024-10-29. Review status: criteria provided, single submitter. Criteria: Invitae Variant Classification Sherloc (09022015). Collection method: clinical testing. Allele origin: germline.
Comment: This sequence change replaces isoleucine, which is neutral and non-polar, with threonine, which is neutral and polar, at codon 547 of the MSH3 protein (p.Ile547Thr). This variant is not present in population databases (gnomAD no frequency). This variant has not been reported in the literature in individuals affected with MSH3-related conditions. ClinVar contains an entry for this variant (Variation ID: 837568). An algorithm developed to predict the effect of missense changes on protein structure and function (PolyPhen-2) suggests that this variant is likely to be disruptive. In summary, the available evidence is currently insufficient to determine the role of this variant in disease. Therefore, it has been classified as a Variant of Uncertain Significance.

Baylor Genetics
Classification: Uncertain significance for Endometrial carcinoma. Last evaluated: 2024-02-15. Review status: criteria provided, single submitter. Criteria: ACMG Guidelines, 2015. Collection method: clinical testing. Allele origin: unknown.

NM_002439.5(MSH3):c.1640T>C (p.Ile547Thr)

Gene: MSH3 (mutS homolog 3; plus strand). Cytogenetic location: 5q14.1.
Variant type: single nucleotide variant.
Coding change: c.1640T>C on transcript NM_002439.5 (MANE Select); coding-DNA position 1640, T replaced by C.
Protein change: p.Ile547Thr; replaces isoleucine 547 with threonine.
Molecular consequence: missense variant.
Genome position (GRCh38, 1-based): chr5:80,741,535, T>C. VCF-style: chr5-80741535-T-C. GRCh37 (hg19) VCF-style: chr5-80037354-T-C.
Other names: short protein forms I547T.
Identifiers: ClinVar variation 837568 (VCV000837568.14), dbSNP rs1044544597, ClinGen allele CA121299867.